The following is an entry in ClinVar:

NM_001844.5(COL2A1):c.3278del (p.Ala1093fs)

Gene: COL2A1 (collagen type II alpha 1 chain; minus strand). Cytogenetic location: 12q13.11.
Variant type: Deletion.
Coding change: c.3278del on transcript NM_001844.5 (MANE Select); coding-DNA position 3278, one base deleted (C; older notation c.3278delC).
Protein change: p.Ala1093fs; shifts the reading frame from alanine 1093.
Molecular consequence: frameshift variant.
Genome position (GRCh38, 1-based): chr12:47,977,151, G deleted on the plus strand (C on the coding strand, the reverse complement: COL2A1 is on the minus strand). VCF-style (leftmost placement, unchanged base first): chr12-47977150-TG-T. GRCh37 (hg19) VCF-style: chr12-48370933-TG-T.
Other names: c.3071del, p.Ala1024fs (NM_033150.3); short protein forms A1024fs, A1093fs.
Identifiers: ClinVar variation 2753880 (VCV002753880.3), dbSNP rs2540107072, ClinGen allele CA2697559179.

ClinVar aggregate classification (germline): Pathogenic (1 of 4 stars; one submission).

Submission:

Labcorp Genetics (formerly Invitae), Labcorp
Classification: Pathogenic. Last evaluated: 2023-08-18. Review status: criteria provided, single submitter. Criteria: Invitae Variant Classification Sherloc (09022015). Collection method: clinical testing. Allele origin: germline.
Comment: This sequence change creates a premature translational stop signal (p.Ala1093Aspfs*37) in the COL2A1 gene. It is expected to result in an absent or disrupted protein product. Loss-of-function variants in COL2A1 are known to be pathogenic (PMID: 20179744). This variant is not present in population databases (gnomAD no frequency). For these reasons, this variant has been classified as Pathogenic. This variant has not been reported in the literature in individuals affected with COL2A1-related conditions.

Literature cited by the submitters: PubMed 20179744.